The following is an entry in ClinVar:

ClinVar aggregate classification (germline): Uncertain significance. Review status: criteria provided, multiple submitters, no conflicts (2 of 4 stars). 5 submissions from 5 submitters: Uncertain significance (5). Last evaluated 2026-04-15.

Conditions:
T-B+ severe combined immunodeficiency due to JAK3 deficiency. Also called: SCID, autosomal recessive, T-negative/B-positive type; SCID, T CELL-NEGATIVE, B CELL-POSITIVE, NK CELL-NEGATIVE. Identifiers: Orphanet 35078, MedGen C1833275, MONDO:0010938, OMIM 600802.
Inborn genetic diseases. Identifiers: MedGen C0950123, MeSH D030342.

Allele frequency attached by ClinVar (database versions not stated): gnomAD 0.00004 and 0.00006; TOPMed 0.00004; gnomAD exomes 0.00009; ExAC 0.00015; 1000 Genomes Project 30x 0.00016; 1000 Genomes Project 0.00020.
gnomAD v4.1: 75 of 1,557,440 alleles (0.0048%); highest among the groups gnomAD compares: Middle Eastern, 0.033%; no homozygotes.

Submissions (5):

Women's Health and Genetics/Laboratory Corporation of America, LabCorp
Classification: Uncertain significance. Last evaluated: 2026-04-15. Review status: criteria provided, single submitter. Criteria: LabCorp Variant Classification Summary - May 2015. Collection method: clinical testing. Allele origin: germline.

Ambry Genetics
Classification: Uncertain significance for Inborn genetic diseases. Last evaluated: 2025-04-04. Review status: criteria provided, single submitter. Criteria: Ambry Variant Classification Scheme 2023. Collection method: clinical testing. Allele origin: germline.

Blueprint Genetics
Classification: Uncertain significance. Last evaluated: 2024-02-08. Review status: criteria provided, single submitter. Criteria: ACMG Guidelines, 2015. Collection method: clinical testing. Allele origin: germline.

Labcorp Genetics (formerly Invitae), Labcorp
Classification: Uncertain significance for T-B+ severe combined immunodeficiency due to JAK3 deficiency. Last evaluated: 2022-09-07. Review status: criteria provided, single submitter. Criteria: Invitae Variant Classification Sherloc (09022015). Collection method: clinical testing. Allele origin: germline.
Comment: This sequence change replaces phenylalanine, which is neutral and non-polar, with cysteine, which is neutral and slightly polar, at codon 358 of the JAK3 protein (p.Phe358Cys). This variant is present in population databases (rs200863318, gnomAD 0.06%). This variant has not been reported in the literature in individuals affected with JAK3-related conditions. ClinVar contains an entry for this variant (Variation ID: 639318). Algorithms developed to predict the effect of missense changes on protein structure and function are either unavailable or do not agree on the potential impact of this missense change (SIFT: "Tolerated"; PolyPhen-2: "Possibly Damaging"; Align-GVGD: "Class C0"). In summary, the available evidence is currently insufficient to determine the role of this variant in disease. Therefore, it has been classified as a Variant of Uncertain Significance.

Breakthrough Genomics
Classification: Uncertain significance. Review status: criteria provided, single submitter. Criteria: ACMG Guidelines, 2015. Collection method: not provided. Allele origin: germline. Inheritance: Autosomal dominant inheritance. Affected: yes.

NM_000215.4(JAK3):c.1073T>G (p.Phe358Cys)

Gene: JAK3 (Janus kinase 3; minus strand). Cytogenetic location: 19p13.11.
Variant type: single nucleotide variant.
Coding change: c.1073T>G on transcript NM_000215.4 (MANE Select); coding-DNA position 1073, T replaced by G.
Protein change: p.Phe358Cys; replaces phenylalanine 358 with cysteine.
Molecular consequence: missense variant.
Genome position (GRCh38, 1-based): chr19:17,841,458, A>C on the plus strand (T>G on the coding strand, the complement: JAK3 is on the minus strand). VCF-style: chr19-17841458-A-C. GRCh37 (hg19) VCF-style: chr19-17952267-A-C.
Other names: short protein forms F358C.
Identifiers: ClinVar variation 639318 (VCV000639318.12), dbSNP rs200863318, ClinGen allele CA9301990.